The following is an entry in ClinVar:

NM_003470.3(USP7):c.110C>G (p.Thr37Ser)

Gene: USP7 (ubiquitin specific peptidase 7; minus strand). Cytogenetic location: 16p13.2.
Variant type: single nucleotide variant.
Coding change: c.110C>G on transcript NM_003470.3 (MANE Select); coding-DNA position 110, C replaced by G.
Protein change: p.Thr37Ser; replaces threonine 37 with serine.
Molecular consequence: missense variant. On other transcripts: 5 prime UTR variant (2), non-coding transcript variant (1).
Genome position (GRCh38, 1-based): chr16:8,930,367, G>C on the plus strand (C>G on the coding strand, the complement: USP7 is on the minus strand). VCF-style: chr16-8930367-G-C. GRCh37 (hg19) VCF-style: chr16-9024224-G-C.
Other names: c.62C>G, p.Thr21Ser (NM_001286457.2); c.-363C>G (NM_001286458.2); c.-65C>G (NM_001321858.2); short protein forms T21S, T37S.
Identifiers: ClinVar variation 2871844 (VCV002871844.3), dbSNP rs146962536, ClinGen allele CA7895831.
Genomic context (GRCh38, chr16:8,930,367, plus strand): 5'-TCCTCCGCGGTGTTGTGTCCATCACTCAGGGCCACATTCCCATTGATCACAGGGTTCTGA[G>C]TAATTCTTGGTGGGTCATCTGTATCTCCCGCTTTAAAGAAGAAAAAGAAATTCCACGGGT-3'
Protein context (NP_003461.2, residues 27-47): AGDTDDPPRI[Thr37Ser]QNPVINGNVA

ClinVar aggregate classification (germline): Uncertain significance (1 of 4 stars; one submission).

Allele frequency attached by ClinVar (database versions not stated): ExAC 0.00002; gnomAD 0.00002; TOPMed 0.00002; gnomAD exomes 0.00005; ESP Exome Variant Server 0.00008.
gnomAD v4.1: 82 of 1,612,728 alleles (0.0051%); highest among the groups gnomAD compares: Non-Finnish European, 0.0061%; no homozygotes.

Submission:

Labcorp Genetics (formerly Invitae), Labcorp
Classification: Uncertain significance. Last evaluated: 2024-10-29. Review status: criteria provided, single submitter. Criteria: Invitae Variant Classification Sherloc (09022015). Collection method: clinical testing. Allele origin: germline.
Comment: This sequence change replaces threonine, which is neutral and polar, with serine, which is neutral and polar, at codon 37 of the USP7 protein (p.Thr37Ser). This variant is present in population databases (rs146962536, gnomAD 0.007%). This variant has not been reported in the literature in individuals affected with USP7-related conditions. An algorithm developed to predict the effect of missense changes on protein structure and function (PolyPhen-2) suggests that this variant is likely to be tolerated. In summary, the available evidence is currently insufficient to determine the role of this variant in disease. Therefore, it has been classified as a Variant of Uncertain Significance.